The following is an entry in ClinVar:

NM_002641.4(PIGA):c.400A>G (p.Met134Val)

Gene: PIGA (phosphatidylinositol glycan anchor biosynthesis class A; minus strand). Cytogenetic location: Xp22.2.
Variant type: single nucleotide variant.
Coding change: c.400A>G on transcript NM_002641.4 (MANE Select); coding-DNA position 400, A replaced by G.
Protein change: p.Met134Val; replaces methionine 134 with valine.
Molecular consequence: missense variant. On other transcripts: intron variant (1).
Genome position (GRCh38, 1-based): chrX:15,331,531, T>C on the plus strand (A>G on the coding strand, the complement: PIGA is on the minus strand). VCF-style: chrX-15331531-T-C. GRCh37 (hg19) VCF-style: chrX-15349653-T-C.
Other names: c.13+3970A>G (NM_020473.3); short protein forms M134V.
Identifiers: ClinVar variation 1406786 (VCV001406786.6), dbSNP rs1922154798, ClinGen allele CA412340202.

ClinVar aggregate classification (germline): Uncertain significance (1 of 4 stars; one submission).

Conditions:
Multiple congenital anomalies-hypotonia-seizures syndrome 2 (MCAHS2). Also called: EPILEPTIC ENCEPHALOPATHY, EARLY INFANTILE, 20; GLYCOSYLPHOSPHATIDYLINOSITOL BIOSYNTHESIS DEFECT 4. Identifiers: Orphanet 300496, MedGen C3275508, MONDO:0010466, OMIM 300868.

Allele frequency attached by ClinVar (database versions not stated): gnomAD exomes below 0.00001; gnomAD 0.00001.

Submission:

Labcorp Genetics (formerly Invitae), Labcorp
Classification: Uncertain significance for Multiple congenital anomalies-hypotonia-seizures syndrome 2. Last evaluated: 2024-10-17. Review status: criteria provided, single submitter. Criteria: Invitae Variant Classification Sherloc (09022015). Collection method: clinical testing. Allele origin: germline.
Comment: This sequence change replaces methionine, which is neutral and non-polar, with valine, which is neutral and non-polar, at codon 134 of the PIGA protein (p.Met134Val). This variant is not present in population databases (gnomAD no frequency). This variant has not been reported in the literature in individuals affected with PIGA-related conditions. ClinVar contains an entry for this variant (Variation ID: 1406786). Invitae Evidence Modeling of protein sequence and biophysical properties (such as structural, functional, and spatial information, amino acid conservation, physicochemical variation, residue mobility, and thermodynamic stability) has been performed for this missense variant. However, the output from this modeling did not meet the statistical confidence thresholds required to predict the impact of this variant on PIGA protein function. In summary, the available evidence is currently insufficient to determine the role of this variant in disease. Therefore, it has been classified as a Variant of Uncertain Significance.